The following is an entry in ClinVar:

ClinVar aggregate classification (germline): Likely benign. Review status: criteria provided, multiple submitters, no conflicts (2 of 4 stars). 2 submissions from 2 submitters: Likely benign (2). Last evaluated 2026-06-01.

Conditions:
Aspartylglucosaminuria (AGU). Also called: Aspartylglucos-aminuria; Aspartylglucos-amidase (AGA) deficiency; AGA DEFICIENCY; GLYCOASPARAGINASE; GLYCOSYLASPARAGINASE DEFICIENCY. Identifiers: Orphanet 93, MedGen C0268225, MONDO:0008830, OMIM 208400, HP:0012068.

Allele frequency attached by ClinVar (database versions not stated): ExAC 0.00001; gnomAD exomes 0.00001.

Submissions (2):

CeGaT Center for Human Genetics Tuebingen
Classification: Likely benign. Last evaluated: 2026-06-01. Review status: criteria provided, single submitter. Criteria: CeGaT Center For Human Genetics Tuebingen Variant Classification Criteria Version 2. Collection method: clinical testing. Allele origin: germline. Affected: yes. Observed: 1 variant allele.
Comment: AGA: BP4, BP7

Labcorp Genetics (formerly Invitae), Labcorp
Classification: Likely benign for Aspartylglucosaminuria. Last evaluated: 2025-09-01. Review status: criteria provided, single submitter. Criteria: Invitae Variant Classification Sherloc (09022015). Collection method: clinical testing. Allele origin: germline.

NM_000027.4(AGA):c.918T>C (p.Cys306=)

Gene: AGA (aspartylglucosaminidase; minus strand). Cytogenetic location: 4q34.3.
Variant type: single nucleotide variant.
Coding change: c.918T>C on transcript NM_000027.4 (MANE Select); coding-DNA position 918, T replaced by C.
Protein change: p.Cys306=; no amino-acid change (cysteine 306 retained).
Molecular consequence: synonymous variant. On other transcripts: non-coding transcript variant (1).
Genome position (GRCh38, 1-based): chr4:177,433,236, A>G on the plus strand (T>C on the coding strand, the complement: AGA is on the minus strand). VCF-style: chr4-177433236-A-G. GRCh37 (hg19) VCF-style: chr4-178354390-A-G.
Other names: c.888T>C, p.Cys296= (NM_001171988.2).
Identifiers: ClinVar variation 1554957 (VCV001554957.10), dbSNP rs749698472, ClinGen allele CA3146758.